The following is an entry in ClinVar:

ClinVar aggregate classification (germline): Uncertain significance. Review status: criteria provided, multiple submitters, no conflicts (2 of 4 stars). 4 submissions from 4 submitters: Uncertain significance (4). Last evaluated 2026-03-26.

Conditions:
Hereditary cancer-predisposing syndrome. Also called: Tumor predisposition; Hereditary Cancer Syndrome; Hereditary neoplastic syndrome; Neoplastic Syndromes, Hereditary. Identifiers: Orphanet 140162, MedGen C0027672, MeSH D009386, MONDO:0015356.
Familial adenomatous polyposis 1 (FAP1). Also called: FAMILIAL ADENOMATOUS POLYPOSIS 1, ATTENUATED; POLYPOSIS, ADENOMATOUS INTESTINAL. Identifiers: MedGen C2713442, MONDO:0021056, OMIM 175100. Disease mechanism: loss of function.

Allele frequency attached by ClinVar (database versions not stated): TOPMed below 0.00001; gnomAD 0.00001.
gnomAD v4.1: 1 of 1,613,682 alleles (0.000062%); highest among the groups gnomAD compares: Non-Finnish European, 0.000085%; no homozygotes.

Submissions (4):

Women's Health and Genetics/Laboratory Corporation of America, LabCorp
Classification: Uncertain significance. Last evaluated: 2026-03-26. Review status: criteria provided, single submitter. Criteria: LabCorp Variant Classification Summary - May 2015. Collection method: clinical testing. Allele origin: germline.

Ambry Genetics
Classification: Uncertain significance for Hereditary cancer-predisposing syndrome. Last evaluated: 2025-04-11. Review status: criteria provided, single submitter. Criteria: Ambry Variant Classification Scheme 2023. Collection method: clinical testing. Allele origin: germline.
Comment: The p.P2086L variant (also known as c.6257C>T), located in coding exon 15 of the APC gene, results from a C to T substitution at nucleotide position 6257. The proline at codon 2086 is replaced by leucine, an amino acid with similar properties. This amino acid position is conserved. Missense alterations in APC are not a common cause of disease (Spier I et al. Genet Med. 2024 Feb;26(2):100992). In addition, in silico predictors for this gene do not accurately predict pathogenicity. Since supporting evidence is limited at this time, the clinical significance of this alteration remains unclear.

Color Diagnostics, LLC DBA Color Health
Classification: Uncertain significance for Hereditary cancer-predisposing syndrome. Last evaluated: 2023-12-05. Review status: criteria provided, single submitter. Criteria: ACMG Guidelines, 2015. Collection method: clinical testing. Allele origin: germline.
Comment: This missense variant replaces proline with leucine at codon 2086 of the APC protein. Computational prediction is inconclusive regarding the impact of this variant on protein structure and function (internally defined REVEL score threshold 0.5 < inconclusive < 0.7, PMID: 27666373). To our knowledge, functional studies have not been reported for this variant. This variant has not been reported in individuals affected with APC-related disorders in the literature. This variant has not been identified in the general population by the Genome Aggregation Database (gnomAD). The available evidence is insufficient to determine the role of this variant in disease conclusively. Therefore, this variant is classified as a Variant of Uncertain Significance.

Labcorp Genetics (formerly Invitae), Labcorp
Classification: Uncertain significance for Familial adenomatous polyposis 1. Last evaluated: 2023-05-26. Review status: criteria provided, single submitter. Criteria: Invitae Variant Classification Sherloc (09022015). Collection method: clinical testing. Allele origin: germline.
Comment: This variant has not been reported in the literature in individuals affected with APC-related conditions. This sequence change replaces proline, which is neutral and non-polar, with leucine, which is neutral and non-polar, at codon 2086 of the APC protein (p.Pro2086Leu). This variant is not present in population databases (gnomAD no frequency). ClinVar contains an entry for this variant (Variation ID: 489477). Advanced modeling of protein sequence and biophysical properties (such as structural, functional, and spatial information, amino acid conservation, physicochemical variation, residue mobility, and thermodynamic stability) performed at Invitae indicates that this missense variant is not expected to disrupt APC protein function. In summary, the available evidence is currently insufficient to determine the role of this variant in disease. Therefore, it has been classified as a Variant of Uncertain Significance.

NM_000038.6(APC):c.6257C>T (p.Pro2086Leu)

Gene: APC (APC regulator of Wnt signaling pathway; plus strand). Cytogenetic location: 5q22.2.
Variant type: single nucleotide variant.
Coding change: c.6257C>T on transcript NM_000038.6 (MANE Select); coding-DNA position 6257, C replaced by T.
Protein change: p.Pro2086Leu; replaces proline 2086 with leucine.
Molecular consequence: missense variant.
Genome position (GRCh38, 1-based): chr5:112,841,851, C>T. VCF-style: chr5-112841851-C-T. GRCh37 (hg19) VCF-style: chr5-112177548-C-T.
Other names: c.6257C>T, p.Pro2086Leu (NM_001127510.3, NM_001354895.2); c.6203C>T, p.Pro2068Leu (NM_001127511.3); c.6311C>T, p.Pro2104Leu (NM_001354896.2); c.6287C>T, p.Pro2096Leu (NM_001354897.2); c.6182C>T, p.Pro2061Leu (NM_001354898.2); c.6173C>T, p.Pro2058Leu (NM_001354899.2); c.6134C>T, p.Pro2045Leu (NM_001354900.2); c.6080C>T, p.Pro2027Leu (NM_001354901.2); and 5 more; short protein forms P2068L, P2086L, P1803L, P1985L, P2045L, P1995L, P2027L, P2096L.
Identifiers: ClinVar variation 489477 (VCV000489477.55), dbSNP rs786202975, ClinGen allele CA16035033.